The following is an entry in ClinVar:

ClinVar aggregate classification (germline): Uncertain significance (1 of 4 stars; one submission).

Allele frequency attached by ClinVar (database versions not stated): ExAC 0.00001.
gnomAD v4.1: 7 of 1,613,884 alleles (0.00043%); highest among the groups gnomAD compares: Non-Finnish European, 0.00051%; no homozygotes.

Submission:

GeneDx
Classification: Uncertain significance. Last evaluated: 2022-04-22. Review status: criteria provided, single submitter. Criteria: GeneDx Variant Classification Process June 2021. Collection method: clinical testing. Allele origin: germline. Affected: yes.
Comment: Not observed at significant frequency in large population cohorts (gnomAD); Has not been previously published as pathogenic or benign to our knowledge; In silico analysis, which includes splice predictors and evolutionary conservation, suggests this variant may impact gene splicing. In the absence of RNA/functional studies, the actual effect of this sequence change is unknown.

NM_002972.4(SBF1):c.5202G>T (p.Ser1734=)

Gene: SBF1 (SET binding factor 1; minus strand). Cytogenetic location: 22q13.33.
Variant type: single nucleotide variant.
Coding change: c.5202G>T on transcript NM_002972.4 (MANE Select); coding-DNA position 5202, G replaced by T.
Protein change: p.Ser1734=; no amino-acid change (serine 1734 retained).
Molecular consequence: synonymous variant.
Genome position (GRCh38, 1-based): chr22:50,448,394, C>A on the plus strand (G>T on the coding strand, the complement: SBF1 is on the minus strand). VCF-style: chr22-50448394-C-A. GRCh37 (hg19) VCF-style: chr22-50886823-C-A.
Other names: c.5127G>T, p.Ser1709= (NM_001365819.1); c.5205G>T, p.Ser1735= (NM_001410794.1); c.5124G>T, p.Ser1708= (NM_001410795.1); c.5202G>T, p.Ser1734= (NM_197971.1).
Identifiers: ClinVar variation 1712177 (VCV001712177.2), dbSNP rs750169680, ClinGen allele CA10315930.